The following is an entry in ClinVar:

ClinVar aggregate classification (germline): Benign. Review status: criteria provided, multiple submitters, no conflicts (2 of 4 stars). 4 submissions from 4 submitters: Benign (4). Last evaluated 2018-11-10.

Conditions:
Infertility associated with multi-tailed spermatozoa and excessive DNA (SPGF5). Also called: Male Infertility with Large-Headed, Multiflagellar, Polyploid Spermatozoa; spermatogenic failure 5. Identifiers: Orphanet 137893, MedGen C0403812, MONDO:0009461, OMIM 243060.

Allele frequency attached by ClinVar (database versions not stated): gnomAD exomes 0.82809; TOPMed 0.74829; 1000 Genomes Project 30x 0.76171; gnomAD 0.75512 and 0.76193; 1000 Genomes Project 0.76777; ExAC 0.76247.

Submissions (4):

GeneDx
Classification: Benign. Last evaluated: 2018-11-10. Review status: criteria provided, single submitter. Criteria: GeneDx Variant Classification Process June 2021. Collection method: clinical testing. Allele origin: germline. Affected: yes.

Illumina Laboratory Services, Illumina
Classification: Benign for Infertility associated with multi-tailed spermatozoa and excessive DNA. Last evaluated: 2018-01-13. Review status: criteria provided, single submitter. Criteria: ICSL Variant Classification Criteria 13 December 2019. Collection method: clinical testing. Allele origin: germline.
Comment: This variant was observed in the ICSL laboratory as part of a predisposition screen in an ostensibly healthy population. It had not been previously curated by ICSL or reported in the Human Gene Mutation Database (HGMD: prior to June 1st, 2018), and was therefore a candidate for classification through an automated scoring system. Utilizing variant allele frequency, disease prevalence and penetrance estimates, and inheritance mode, an automated score was calculated to assess if this variant is too frequent to cause the disease. Based on the score and internal cut-off values, a variant classified as benign is not then subjected to further curation. The score for this variant resulted in a classification of benign for this disease.

Laboratory for Molecular Medicine, Mass General Brigham Personalized Medicine
Classification: Benign. Last evaluated: 2016-03-28. Review status: criteria provided, single submitter. Criteria: LMM Criteria. Collection method: clinical testing. Allele origin: germline.
Comment: Variant identified in a genome or exome case(s) and assessed due to predicted null impact of the variant or pathogenic assertions in the literature or databases. Disclaimer: This variant has not undergone full assessment. The following are preliminary notes: Frequency in 1000Genomes: 1655/2178=75.9%

Breakthrough Genomics
Classification: Benign. Review status: criteria provided, single submitter. Criteria: ACMG Guidelines, 2015. Collection method: not provided. Allele origin: germline. Inheritance: Autosomal recessive inheritance. Affected: yes.

NM_001015878.2(AURKC):c.-128C>T

Gene: AURKC (aurora kinase C; plus strand). Cytogenetic location: 19q13.43.
Variant type: single nucleotide variant.
Coding change: c.-128C>T on transcript NM_001015878.2 (MANE Select); 128 bases upstream of the start codon, C replaced by T.
Molecular consequence: 5 prime UTR variant. On other transcripts: splice donor variant (1), intron variant (1).
Genome position (GRCh38, 1-based): chr19:57,231,121, C>T. VCF-style: chr19-57231121-C-T. GRCh37 (hg19) VCF-style: chr19-57742489-C-T.
Other names: c.-45+2C>T (NM_003160.3); c.1+7C>T (NM_001015879.2).
Identifiers: ClinVar variation 330225 (VCV000330225.12), dbSNP rs58264281, ClinGen allele CA9695796.
Genomic context (GRCh38, chr19:57,231,121, plus strand): 5'-CACGGCTGCTCACGACGCCGCGGATCCCGAAGCCTGTGTAGCAGTGAGACATCAGTGAGG[C>T]TGCAGGACGAGCAGGATTGGAAGCGCCCCGGCCAGAAAGTGACCCCCCACCCCTTTCAGG-3'